The following is an entry in ClinVar:

ClinVar aggregate classification (germline): Likely benign (0 of 4 stars; one submission).

Conditions:
COG5-related disorder. Also called: COG5-related condition.

Submission:

PreventionGenetics, part of Exact Sciences
Classification: Likely benign for COG5-related condition. Last evaluated: 2020-03-23. Review status: no assertion criteria provided. Collection method: clinical testing. Allele origin: germline.
Comment: This variant is classified as likely benign based on ACMG/AMP sequence variant interpretation guidelines (Richards et al. 2015 PMID: 25741868, with internal and published modifications).

NM_006348.3(COG5):c.15C>G (p.Gly5=)

Genes: COG5 (component of oligomeric golgi complex 5; minus strand), DUS4L (dihydrouridine synthase 4 like; plus strand), DUS4L-BCAP29 (DUS4L-BCAP29 readthrough; plus strand). Cytogenetic location: 7q22.3.
Variant type: single nucleotide variant.
Coding change: c.15C>G on transcript NM_006348.3; coding-DNA position 15, C replaced by G.
Protein change: p.Gly5=; no amino-acid change (glycine 5 retained).
Molecular consequence: 5 prime UTR variant (on NM_181581.3). On other transcripts: non-coding transcript variant (7).
Genome position (GRCh38, 1-based): chr7:107,563,975, G>C on the plus strand (C>G on the coding strand, the complement: COG5 is on the minus strand). VCF-style: chr7-107563975-G-C. GRCh37 (hg19) VCF-style: chr7-107204420-G-C.
Other names: c.-195G>C (NM_001270419.2); c.-345G>C (NM_181581.3, NM_001371364.2, NM_001371366.2); c.-383G>C (NM_001371365.2); c.-256G>C (NM_001371367.2).
Identifiers: ClinVar variation 3042839 (VCV003042839.2), dbSNP rs1462066599, ClinGen allele CA457082326.
Genomic context (GRCh38, chr7:107,563,975, plus strand): 5'-GATGTCGTCAGCAGCAGAACGGCTCCGCCCAGGTGGTGACGCAGAATCCCGGCGCCGCCC[G>C]CCCACCCAGCCCATGGCTCCAGGCCCACCTGGCGAACTGACTCTCAGCCCGCGCCTGGGC-3'
Protein context (NP_006339.4, residues 1-15): MEGG[Gly5=]GSVAVAGLGA